The following is an entry in ClinVar:

ClinVar aggregate classification (germline): Uncertain significance (1 of 4 stars; one submission).

Conditions:
Epileptic encephalopathy. Identifiers: MedGen C0543888, HP:0200134.

Submission:

Labcorp Genetics (formerly Invitae), Labcorp
Classification: Uncertain significance for Epileptic encephalopathy. Last evaluated: 2018-06-09. Review status: criteria provided, single submitter. Criteria: Invitae Variant Classification Sherloc (09022015). Collection method: clinical testing. Allele origin: germline.
Comment: In summary, the available evidence is currently insufficient to determine the role of this variant in disease. Therefore, it has been classified as a Variant of Uncertain Significance. Algorithms developed to predict the effect of missense changes on protein structure and function are either unavailable or do not agree on the potential impact of this missense change (SIFT: "Deleterious"; PolyPhen-2: "Possibly Damaging"; Align-GVGD: "Class C0"). This variant has not been reported in the literature in individuals with GABBR2-related disease. This variant is not present in population databases (ExAC no frequency). This sequence change replaces glycine with valine at codon 603 of the GABBR2 protein (p.Gly603Val). The glycine residue is highly conserved and there is a moderate physicochemical difference between glycine and valine.

NM_005458.8(GABBR2):c.1808G>T (p.Gly603Val)

Gene: GABBR2 (gamma-aminobutyric acid type B receptor subunit 2; minus strand). Cytogenetic location: 9q22.33.
Variant type: single nucleotide variant.
Coding change: c.1808G>T on transcript NM_005458.8 (MANE Select); coding-DNA position 1808, G replaced by T.
Protein change: p.Gly603Val; replaces glycine 603 with valine.
Molecular consequence: missense variant.
Genome position (GRCh38, 1-based): chr9:98,362,800, C>A on the plus strand (G>T on the coding strand, the complement: GABBR2 is on the minus strand). VCF-style: chr9-98362800-C-A. GRCh37 (hg19) VCF-style: chr9-101125082-C-A.
Other names: short protein forms G603V.
Identifiers: ClinVar variation 565632 (VCV000565632.8), dbSNP rs1564031721, ClinGen allele CA374212458.
Genomic context (GRCh38, chr9:98,362,800, plus strand): 5'-CTTCGCAGGGGGTCCACAGCCTGCCAGCAGATCAGGATACACAGGTCGATCAGCAGCATG[C>A]CCCCCACGATCACAAGCAGTTTCTGGTCCTTGATGATCTACAGAGCGGGAAGGAGCAGAG-3'
Protein context (NP_005449.5, residues 593-613): KDQKLLVIVG[Gly603Val]MLLIDLCILI